The following is an entry in ClinVar:

ClinVar aggregate classification (germline): Likely benign (1 of 4 stars; one submission).

gnomAD v4.1: 2 of 1,595,378 alleles (0.00013%); highest among the groups gnomAD compares: Non-Finnish European, 0.00017%; no homozygotes.

Submission:

CeGaT Center for Human Genetics Tuebingen
Classification: Likely benign. Last evaluated: 2022-08-01. Review status: criteria provided, single submitter. Criteria: CeGaT Center For Human Genetics Tuebingen Variant Classification Criteria Version 2. Collection method: clinical testing. Allele origin: germline. Affected: yes. Observed: 1 variant allele.
Comment: TMEM231: PM2:Supporting, BP4, BP7

NM_001077418.3(TMEM231):c.140-17C>A

Genes: TMEM231 (transmembrane protein 231; minus strand), LOC130059440 (ATAC-STARR-seq lymphoblastoid silent region 7724; plus strand). Cytogenetic location: 16q23.1.
Variant type: single nucleotide variant.
Coding change: c.140-17C>A on transcript NM_001077418.3 (MANE Select); 17 bases into the intron before coding-DNA position 140, C replaced by A.
Molecular consequence: intron variant. On other transcripts: synonymous variant (1).
Genome position (GRCh38, 1-based): chr16:75,555,990, G>T on the plus strand (C>A on the coding strand, the complement: TMEM231 is on the minus strand). VCF-style: chr16-75555990-G-T. GRCh37 (hg19) VCF-style: chr16-75589888-G-T.
Other names: c.282C>A, p.Thr94= (NM_001077416.2).
Identifiers: ClinVar variation 1711413 (VCV001711413.30), dbSNP rs765091642, ClinGen allele CA496695468.